The following is an entry in ClinVar:

NM_014423.4(AFF4):c.412G>T (p.Ala138Ser)

Gene: AFF4 (ALF transcription elongation factor 4; minus strand). Cytogenetic location: 5q31.1.
Variant type: single nucleotide variant.
Coding change: c.412G>T on transcript NM_014423.4 (MANE Select); coding-DNA position 412, G replaced by T.
Protein change: p.Ala138Ser; replaces alanine 138 with serine.
Molecular consequence: missense variant.
Genome position (GRCh38, 1-based): chr5:132,934,653, C>A on the plus strand (G>T on the coding strand, the complement: AFF4 is on the minus strand). VCF-style: chr5-132934653-C-A. GRCh37 (hg19) VCF-style: chr5-132270345-C-A.
Other names: short protein forms A138S.
Identifiers: ClinVar variation 3349386 (VCV003349386.1).

ClinVar aggregate classification (germline): Uncertain significance (0 of 4 stars; one submission).

Conditions:
AFF4-related disorder. Also called: AFF4-related condition.

Submission:

PreventionGenetics, part of Exact Sciences
Classification: Uncertain significance for AFF4-related condition. Last evaluated: 2024-03-27. Review status: no assertion criteria provided. Collection method: clinical testing. Allele origin: germline.
Comment: The AFF4 c.412G>T variant is predicted to result in the amino acid substitution p.Ala138Ser. To our knowledge, this variant has not been reported in the literature or in a large population database, indicating this variant is rare. At this time, the clinical significance of this variant is uncertain due to the absence of conclusive functional and genetic evidence.